The following is an entry in ClinVar:

NM_016180.5(SLC45A2):c.1154C>T (p.Ser385Phe)

Gene: SLC45A2 (solute carrier family 45 member 2; minus strand). Cytogenetic location: 5p13.2.
Variant type: single nucleotide variant.
Coding change: c.1154C>T on transcript NM_016180.5 (MANE Select); coding-DNA position 1154, C replaced by T.
Protein change: p.Ser385Phe; replaces serine 385 with phenylalanine.
Molecular consequence: missense variant. On other transcripts: 3 prime UTR variant (1).
Genome position (GRCh38, 1-based): chr5:33,951,556, G>A on the plus strand (C>T on the coding strand, the complement: SLC45A2 is on the minus strand). VCF-style: chr5-33951556-G-A. GRCh37 (hg19) VCF-style: chr5-33951661-G-A.
Other names: c.1154C>T, p.Ser385Phe (NM_001012509.4); c.*96C>T (NM_001297417.4); short protein forms S385F.
Identifiers: ClinVar variation 4077129 (VCV004077129.1).

ClinVar aggregate classification (germline): Likely pathogenic (1 of 4 stars; one submission).

Conditions:
SKIN/HAIR/EYE PIGMENTATION 5, BLACK/NONBLACK HAIR (SHEP5). Also called: SKIN/HAIR/EYE PIGMENTATION, VARIATION IN, 5; SKIN/HAIR/EYE PIGMENTATION 5, DARK/FAIR SKIN; SKIN/HAIR/EYE PIGMENTATION 5, DARK/LIGHT EYES. Identifiers: MedGen C2673584, OMIM 227240.
Oculocutaneous albinism type 4 (OCA4). Also called: Albinism, oculocutaneous, type IV. Identifiers: Orphanet 79435, MedGen C1847836, MONDO:0011683, OMIM 606574.

gnomAD v4.1: 3 of 1,613,992 alleles (0.00019%); highest among the groups gnomAD compares: Non-Finnish European, 0.00025%; no homozygotes.

Submission:

Laboratory of Genetic Epidemiology, Research Centre for Medical Genetics
Classification: Likely pathogenic for SKIN/HAIR/EYE PIGMENTATION 5, BLACK/NONBLACK HAIR; Oculocutaneous albinism type 4. Last evaluated: 2025-01-01. Review status: criteria provided, single submitter. Criteria: ACMG Guidelines, 2015. Collection method: clinical testing. Allele origin: unknown. Inheritance: Autosomal recessive inheritance. Affected: yes. Observed: 1 heterozygote.
Comment: This variant has been previously reported in the literature (PMID: 34838614) and is listed in gnomAD v3.1.2 with allele frequency 0.00002 in Europe (2/152164). The affected amino acid position is evolutionarily conserved, and multiple in silico prediction tools support a deleterious effect. We assume that this variant is highly likely to be in trNM_016180.4:c.264delC, p.(Gly89AspfsTer24) in proband; therefore, based on the literature (PMID: 30311386), we apply the ACMG pathogenic criterion PM3 Supporting. Taken together, the variant meets the following ACMG/AMP criteria and can be classified as likely pathogenic with PM2, PP3, PM3, PP5, PP4 criteria.

Literature cited by the submitters: PubMed 41428507.